The following is an entry in ClinVar:

NM_032043.3(BRIP1):c.3293C>A (p.Ala1098Asp)

Gene: BRIP1 (BRCA1 interacting DNA helicase 1; minus strand). Cytogenetic location: 17q23.2.
Variant type: single nucleotide variant.
Coding change: c.3293C>A on transcript NM_032043.3 (MANE Select); coding-DNA position 3293, C replaced by A.
Protein change: p.Ala1098Asp; replaces alanine 1098 with aspartic acid.
Molecular consequence: missense variant.
Genome position (GRCh38, 1-based): chr17:61,683,753, G>T on the plus strand (C>A on the coding strand, the complement: BRIP1 is on the minus strand). VCF-style: chr17-61683753-G-T. GRCh37 (hg19) VCF-style: chr17-59761114-G-T.
Other names: c.3293C>A (NM_032043.2); short protein forms A1098D.
Identifiers: ClinVar variation 1039268 (VCV001039268.10), dbSNP rs1361161166, ClinGen allele CA400479041.

ClinVar aggregate classification (germline): Conflicting classifications of pathogenicity. Review status: criteria provided, conflicting classifications (1 of 4 stars). 2 submissions from 2 submitters: Uncertain significance (1); Likely benign (1). Last evaluated 2024-02-29.

Conditions:
Hereditary cancer-predisposing syndrome. Also called: Hereditary neoplastic syndrome; Neoplastic Syndromes, Hereditary; Tumor predisposition; Hereditary Cancer Syndrome. Identifiers: Orphanet 140162, MedGen C0027672, MeSH D009386, MONDO:0015356.
Fanconi anemia complementation group J. Also called: BRIP1-Related Fanconi Anemia. Identifiers: Orphanet 84, MedGen C1836860, MONDO:0012187, OMIM 609054.
Familial cancer of breast. Also called: BREAST CANCER, FAMILIAL; Hereditary breast cancer; hereditary breast carcinoma. Identifiers: Orphanet 227535, MedGen C0346153, MONDO:0016419, OMIM 114480. Disease mechanism: loss of function.

Allele frequency attached by ClinVar (database versions not stated): TOPMed below 0.00001.
gnomAD v4.1: 2 of 1,614,106 alleles (0.00012%); highest among the groups gnomAD compares: Non-Finnish European, 0.00017%; no homozygotes.

Submissions (2):

Ambry Genetics
Classification: Likely benign for Hereditary cancer-predisposing syndrome. Last evaluated: 2024-02-29. Review status: criteria provided, single submitter. Criteria: Ambry Variant Classification Scheme 2023. Collection method: clinical testing. Allele origin: germline.

Labcorp Genetics (formerly Invitae), Labcorp
Classification: Uncertain significance for Familial cancer of breast; Fanconi anemia complementation group J. Last evaluated: 2023-03-24. Review status: criteria provided, single submitter. Criteria: Invitae Variant Classification Sherloc (09022015). Collection method: clinical testing. Allele origin: germline.
Comment: This sequence change replaces alanine, which is neutral and non-polar, with aspartic acid, which is acidic and polar, at codon 1098 of the BRIP1 protein (p.Ala1098Asp). This variant is not present in population databases (gnomAD no frequency). This variant has not been reported in the literature in individuals affected with BRIP1-related conditions. ClinVar contains an entry for this variant (Variation ID: 1039268). Algorithms developed to predict the effect of missense changes on protein structure and function output the following: SIFT: "Not Available"; PolyPhen-2: "Benign"; Align-GVGD: "Not Available". The aspartic acid amino acid residue is found in multiple mammalian species, which suggests that this missense change does not adversely affect protein function. In summary, the available evidence is currently insufficient to determine the role of this variant in disease. Therefore, it has been classified as a Variant of Uncertain Significance.